The following is an entry in ClinVar:

NM_004629.2(FANCG):c.1085A>G (p.Asp362Gly)

Gene: FANCG (FA complementation group G; minus strand). Cytogenetic location: 9p13.3.
Variant type: single nucleotide variant.
Coding change: c.1085A>G on transcript NM_004629.2 (MANE Select); coding-DNA position 1085, A replaced by G.
Protein change: p.Asp362Gly; replaces aspartic acid 362 with glycine.
Molecular consequence: missense variant.
Genome position (GRCh38, 1-based): chr9:35,076,020, T>C on the plus strand (A>G on the coding strand, the complement: FANCG is on the minus strand). VCF-style: chr9-35076020-T-C. GRCh37 (hg19) VCF-style: chr9-35076017-T-C.
Other names: short protein forms D362G.
Identifiers: ClinVar variation 973640 (VCV000973640.3), dbSNP rs1829076408, ClinGen allele CA373310322.

ClinVar aggregate classification (germline): Uncertain significance. Review status: criteria provided, multiple submitters, no conflicts (2 of 4 stars). 3 submissions from 3 submitters: Uncertain significance (2). 1 of the submissions does not count toward it. Last evaluated 2025-11-11.

Conditions:
Inborn genetic diseases. Identifiers: MedGen C0950123, MeSH D030342.
Fanconi anemia complementation group G. Also called: FANCG-Related Fanconi Anemia; Fanconi anemia group G. Identifiers: Orphanet 84, MedGen C3469527, MONDO:0013565, OMIM 614082.

Allele frequency attached by ClinVar (database versions not stated): gnomAD exomes below 0.00001.

Submissions (3):

Ambry Genetics
Classification: Uncertain significance for Inborn genetic diseases. Last evaluated: 2025-11-11. Review status: criteria provided, single submitter. Criteria: Ambry Variant Classification Scheme 2023. Collection method: clinical testing. Allele origin: germline.
Comment: The p.D362G variant (also known as c.1085A>G), located in coding exon 9 of the FANCG gene, results from an A to G substitution at nucleotide position 1085. The aspartic acid at codon 362 is replaced by glycine, an amino acid with similar properties. This amino acid position is conserved. In addition, this alteration is predicted to be tolerated by in silico analysis. Based on the available evidence, the clinical significance of this variant remains unclear.

Fulgent Genetics
Classification: Uncertain significance for Fanconi anemia complementation group G. Last evaluated: 2022-04-29. Review status: criteria provided, single submitter. Criteria: ACMG Guidelines, 2015. Collection method: clinical testing. Allele origin: unknown.

UOSD Laboratory of Genetics & Genomics of Rare Diseases, Istituto Giannina Gaslini
Classification: Uncertain significance for Fanconi anemia complementation group G. Last evaluated: 2020-05-21. Review status: no assertion criteria provided. Collection method: clinical testing. Allele origin: germline. Affected: yes. Observed: 1 variant allele. Not counted in ClinVar's aggregate classification.